The following is an entry in ClinVar:

NM_014334.4(FRRS1L):c.177C>G (p.His59Gln)

Gene: FRRS1L (ferric chelate reductase 1 like; minus strand). Cytogenetic location: 9q31.3.
Variant type: single nucleotide variant.
Coding change: c.177C>G on transcript NM_014334.4 (MANE Select); coding-DNA position 177, C replaced by G.
Protein change: p.His59Gln; replaces histidine 59 with glutamine.
Molecular consequence: missense variant.
Genome position (GRCh38, 1-based): chr9:109,166,962, G>C on the plus strand (C>G on the coding strand, the complement: FRRS1L is on the minus strand). VCF-style: chr9-109166962-G-C. GRCh37 (hg19) VCF-style: chr9-111929242-G-C.
Other names: short protein forms H59Q.
Identifiers: ClinVar variation 576688 (VCV000576688.9), dbSNP rs1564238035, ClinGen allele CA374430347.
Genomic context (GRCh38, chr9:109,166,962, plus strand): 5'-CTCCTCCGACAGGTAGCGCAGGTCGTAGAACTCCCCCGCGAAGGTGCCGTAGGAGGAGTC[G>C]TGGCGCGGCACCGCCTCGTCGGCGCCCGTGTCCCCCCGCGCGCGTCCCCGGGGTCCCCGG-3'
Protein context (NP_055149.3, residues 49-69): DTGADEAVPR[His59Gln]DSSYGTFAGE

ClinVar aggregate classification (germline): Uncertain significance (1 of 4 stars; one submission).

Conditions:
Developmental and epileptic encephalopathy, 37 (DEE37). Also called: Epileptic encephalopathy, early infantile, 37. Identifiers: MedGen C4310770, MONDO:0014859, OMIM 616981.

Allele frequency attached by ClinVar (database versions not stated): TOPMed below 0.00001.

Submission:

Labcorp Genetics (formerly Invitae), Labcorp
Classification: Uncertain significance for Developmental and epileptic encephalopathy, 37. Last evaluated: 2020-03-06. Review status: criteria provided, single submitter. Criteria: Invitae Variant Classification Sherloc (09022015). Collection method: clinical testing. Allele origin: germline.
Comment: Algorithms developed to predict the effect of sequence changes on RNA splicing suggest that this variant may create or strengthen a splice site, but this prediction has not been confirmed by published transcriptional studies. Algorithms developed to predict the effect of missense changes on protein structure and function (SIFT, PolyPhen-2, Align-GVGD) all suggest that this variant is likely to be tolerated, but these predictions have not been confirmed by published functional studies and their clinical significance is uncertain. This variant has not been reported in the literature in individuals with FRRS1L-related disease. While this variant is not present in population databases, the frequency information is unreliable, as metrics indicate poor data quality at this position in the ExAC database. This sequence change replaces histidine with glutamine at codon 110 of the FRRS1L protein (p.His110Gln). The histidine residue is moderately conserved and there is a small physicochemical difference between histidine and glutamine. In summary, the available evidence is currently insufficient to determine the role of this variant in disease. Therefore, it has been classified as a Variant of Uncertain Significance.